The following is an entry in ClinVar:

NM_001165963.4(SCN1A):c.383+7T>C

Gene: SCN1A (sodium voltage-gated channel alpha subunit 1; minus strand). Cytogenetic location: 2q24.3.
Variant type: single nucleotide variant.
Coding change: c.383+7T>C on transcript NM_001165963.4 (MANE Select); 7 bases into the intron after coding-DNA position 383, T replaced by C.
Molecular consequence: intron variant.
Genome position (GRCh38, 1-based): chr2:166,058,563, A>G on the plus strand (T>C on the coding strand, the complement: SCN1A is on the minus strand). VCF-style: chr2-166058563-A-G. GRCh37 (hg19) VCF-style: chr2-166915073-A-G.
Other names: c.383+7T>C (NM_001353949.2, NM_001353958.2, NM_001353950.2 and 10 more transcripts); c.-2043+7T>C (NM_001353961.2).
Identifiers: ClinVar variation 506661 (VCV000506661.11), dbSNP rs1553553397, ClinGen allele CA658795935.
Genomic context (GRCh38, chr2:166,058,563, plus strand): 5'-TATTTAGCTATAAAGTGCTTACAGATCATGTACAAATAGTTAATATTAATCACTTGAAAA[A>G]GGATATGAATGTACCAAAATCTTAATAGCTATTTTCCTAAGAGGATTGAAGGGAGTTAAA-3'

ClinVar aggregate classification (germline): Likely benign. Review status: criteria provided, multiple submitters, no conflicts (2 of 4 stars). 3 submissions from 3 submitters: Likely benign (3). Last evaluated 2025-04-30.

Conditions:
Early-infantile DEE. Also called: Ohtahara syndrome; Early infantile epileptic encephalopathy; Early infantile epileptic encephalopathy with suppression bursts. Identifiers: Orphanet 1934, MedGen C0393706, MONDO:0800491.

Submissions (3):

Women's Health and Genetics/Laboratory Corporation of America, LabCorp
Classification: Likely benign. Last evaluated: 2025-04-30. Review status: criteria provided, single submitter. Criteria: LabCorp Variant Classification Summary - May 2015. Collection method: clinical testing. Allele origin: germline.
Comment: Variant summary: SCN1A c.383+7T>C alters a conserved nucleotide located at a position not widely known to affect splicing. Consensus agreement among computation tools predict no significant impact on normal splicing. However, these predictions have yet to be confirmed by functional studies. The variant was absent in 249782 control chromosomes (gnomAD). The available data on variant occurrences in the general population are insufficient to allow any conclusion about variant significance. To our knowledge, no occurrence of c.383+7T>C in individuals affected with SCN1A-Related Seizure Disorder and no experimental evidence demonstrating its impact on protein function have been reported. ClinVar contains an entry for this variant (Variation ID: 506661). Based on the evidence outlined above, the variant was classified as likely benign.

Labcorp Genetics (formerly Invitae), Labcorp
Classification: Likely benign for Early-infantile DEE. Last evaluated: 2024-01-08. Review status: criteria provided, single submitter. Criteria: Invitae Variant Classification Sherloc (09022015). Collection method: clinical testing. Allele origin: germline.

GeneDx
Classification: Likely benign. Last evaluated: 2018-02-02. Review status: criteria provided, single submitter. Criteria: GeneDx Variant Classification (06012015). Collection method: clinical testing. Allele origin: germline. Affected: yes.
Comment: This variant is considered likely benign or benign based on one or more of the following criteria: it is a conservative change, it occurs at a poorly conserved position in the protein, it is predicted to be benign by multiple in silico algorithms, and/or has population frequency not consistent with disease.